The following is an entry in ClinVar:

ClinVar aggregate classification (germline): Uncertain significance (1 of 4 stars; one submission).

gnomAD v4.1: 40 of 1,614,238 alleles (0.0025%); highest among the groups gnomAD compares: Admixed American, 0.01%; no homozygotes.

Submission:

GeneDx
Classification: Uncertain significance. Last evaluated: 2023-05-18. Review status: criteria provided, single submitter. Criteria: GeneDx Variant Classification Process June 2021. Collection method: clinical testing. Allele origin: germline. Affected: yes.
Comment: In silico analysis supports that this missense variant has a deleterious effect on protein structure/function; Has not been previously published as pathogenic or benign to our knowledge

NM_014026.6(DCPS):c.134C>G (p.Ser45Cys)

Genes: DCPS (decapping enzyme, scavenger; plus strand), TIRAP-AS1 (TIRAP antisense RNA 1; minus strand). Cytogenetic location: 11q24.2.
Variant type: single nucleotide variant.
Coding change: c.134C>G on transcript NM_014026.6 (MANE Select); coding-DNA position 134, C replaced by G.
Protein change: p.Ser45Cys; replaces serine 45 with cysteine.
Molecular consequence: missense variant. On other transcripts: non-coding transcript variant (6).
Genome position (GRCh38, 1-based): chr11:126,304,214, C>G. VCF-style: chr11-126304214-C-G. GRCh37 (hg19) VCF-style: chr11-126174109-C-G.
Other names: c.134C>G, p.Ser45Cys (NM_001350236.2); short protein forms S45C.
Identifiers: ClinVar variation 3343505 (VCV003343505.1).